The following is an entry in ClinVar:

ClinVar aggregate classification (germline): Pathogenic (1 of 4 stars; one submission).

Submission:

Labcorp Genetics (formerly Invitae), Labcorp
Classification: Pathogenic. Last evaluated: 2024-01-22. Review status: criteria provided, single submitter. Criteria: Invitae Variant Classification Sherloc (09022015). Collection method: clinical testing. Allele origin: germline.
Comment: This sequence change creates a premature translational stop signal (p.Val1825Glyfs*34) in the OTOG gene. It is expected to result in an absent or disrupted protein product. Loss-of-function variants in OTOG are known to be pathogenic (PMID: 23122587). This variant is not present in population databases (gnomAD no frequency). This variant has not been reported in the literature in individuals affected with OTOG-related conditions. For these reasons, this variant has been classified as Pathogenic.

Literature cited by the submitters: PubMed 23122587.

NM_001292063.2(OTOG):c.5435dup (p.Val1813fs)

Gene: OTOG (otogelin; plus strand). Cytogenetic location: 11p15.1.
Variant type: Duplication.
Coding change: c.5435dup on transcript NM_001292063.2 (MANE Select); coding-DNA position 5435, one base duplicated (A; older notation c.5435dupA).
Protein change: p.Val1813fs; shifts the reading frame from valine 1813.
Molecular consequence: frameshift variant.
Genome position (GRCh38, 1-based): chr11:17,610,735, A duplicated; the last of 2 consecutive A bases (chr11:17,610,734-17,610,735); duplicating either gives the same sequence. VCF-style (leftmost placement, unchanged base first): chr11-17610733-C-CA. GRCh37 (hg19) VCF-style: chr11-17632280-C-CA.
Other names: c.5471dup, p.Val1825fs (NM_001277269.2); short protein forms V1825fs, V1813fs.
Identifiers: ClinVar variation 2702302 (VCV002702302.3), dbSNP rs2497536470, ClinGen allele CA2574770837.
Genomic context (GRCh38, chr11:17,610,733, plus strand): 5'-GTCAACTCGTCCCTCCCAGCTCCTCTCTGGCCTGCCTCCCGACACCAGCCTGCCCCTGGC[C>CA]AAGGTGGGCACATCTGCCCCAGTGGCCACACCCGGCCCCAAAGCCTCTGTCATCACCACT-3'